The following is an entry in ClinVar:

ClinVar aggregate classification (germline): Conflicting classifications of pathogenicity. Review status: criteria provided, conflicting classifications (1 of 4 stars). 4 submissions from 4 submitters: Uncertain significance (1); Benign (1); Likely benign (2). Last evaluated 2025-11-12.

Conditions:
Distichiasis-lymphedema syndrome. Also called: LYMPHEDEMA WITH DISTICHIASIS. Identifiers: Orphanet 33001, MedGen C0265345, MONDO:0007922, OMIM 153400.

Allele frequency attached by ClinVar (database versions not stated): 1000 Genomes Project 30x 0.00016; 1000 Genomes Project 0.00020; ESP Exome Variant Server 0.00100; ExAC 0.00111; gnomAD exomes 0.00115 and 0.00210; gnomAD 0.00128 and 0.00136; TOPMed 0.00133.

Submissions (4):

Labcorp Genetics (formerly Invitae), Labcorp
Classification: Likely benign. Last evaluated: 2025-11-12. Review status: criteria provided, single submitter. Criteria: Invitae Variant Classification Sherloc (09022015). Collection method: clinical testing. Allele origin: germline.

CeGaT Center for Human Genetics Tuebingen
Classification: Benign. Last evaluated: 2025-11-01. Review status: criteria provided, single submitter. Criteria: CeGaT Center For Human Genetics Tuebingen Variant Classification Criteria Version 2. Collection method: clinical testing. Allele origin: germline. Affected: yes. Observed: 2 variant alleles.
Comment: FOXC2: BS1, BS2

Blueprint Genetics
Classification: Likely benign. Last evaluated: 2024-11-20. Review status: criteria provided, single submitter. Criteria: ACMG Guidelines, 2015. Collection method: clinical testing. Allele origin: germline.

Mayo Clinic Laboratories, Mayo Clinic
Classification: Uncertain significance for Distichiasis-lymphedema syndrome. Last evaluated: 2017-04-03. Review status: criteria provided, single submitter. Criteria: ACMG Guidelines, 2015. Collection method: clinical testing. Allele origin: maternal.

NM_005251.3(FOXC2):c.1331A>G (p.Gln444Arg)

Gene: FOXC2 (forkhead box C2; plus strand). Cytogenetic location: 16q24.1.
Variant type: single nucleotide variant.
Coding change: c.1331A>G on transcript NM_005251.3 (MANE Select); coding-DNA position 1331, A replaced by G.
Protein change: p.Gln444Arg; replaces glutamine 444 with arginine.
Molecular consequence: missense variant.
Genome position (GRCh38, 1-based): chr16:86,568,666, A>G. VCF-style: chr16-86568666-A-G. GRCh37 (hg19) VCF-style: chr16-86602272-A-G.
Other names: short protein forms Q444R.
Identifiers: ClinVar variation 547948 (VCV000547948.33), dbSNP rs147258453, ClinGen allele CA8218456.